The following is an entry in ClinVar:

NM_000046.5(ARSB):c.866_867insTGGGAGGCCGAGGCGGGCGGATCACGAGGTCAAGAGATCGAGACCATCCCGGCTAAAACGGTGAAACCCCGTCTCTACTAAAAATACAAAAAAATTAGCCGGGCGTAGTGGCGGGNNNNNNNNNNAAAAAAAAAAAAAAAAAAAAGCAGTGGGCT (p.Leu289_Trp290insGlyArgProArgArgAlaAspHisGluValLysArgSerArgProSerArgLeuLysArgTer)

Gene: ARSB (arylsulfatase B; minus strand). Cytogenetic location: 5q14.1.
Variant type: Insertion.
Coding change: c.866_867insTGGGAGGCCGAGGCGGGCGGATCACGAGGTCAAGAGATCGAGACCATCCCGGCTAAAACGGTGAAACCCCGTCTCTACTAAAAATACAAAAAAATTAGCCGGGCGTAGTGGCGGGNNNNNNNNNNAAAAAAAAAAAAAAAAAAAAGCAGTGGGCT on transcript NM_000046.5 (MANE Select); coding-DNA positions 866 to 867, TGGGAGGCCGAGGCGGGCGGATCACGAGGTCAAGAGATCGAGACCATCCCGGCTAAAACGGTGAAACCCCGTCTCTACTAAAAATACAAAAAAATTAGCCGGGCGTAGTGGCGGGNNNNNNNNNNAAAAAAAAAAAAAAAAAAAAGCAGTGGGCT inserted.
Protein change: p.Leu289_Trp290insGlyArgProArgArgAlaAspHisGluValLysArgSerArgProSerArgLeuLysArgTer.
Molecular consequence: nonsense, inframe insertion.
Genome position: GRCh38: chr5:78,955,341-78,955,342. GRCh37 (hg19): chr5:78,251,164-78,251,165.
Other names: c.866_867insTGGGAGGCCGAGGCGGGCGGATCACGAGGTCAAGAGATCGAGACCATCCCGGCTAAAACGGTGAAACCCCGTCTCTACTAAAAATACAAAAAAATTAGCCGGGCGTAGTGGCGGGNNNNNNNNNNAAAAAAAAAAAAAAAAAAAAGCAGTGGGCT, p.Leu289_Trp290insGlyArgProArgArgAlaAspHisGluValLysArgSerArgProSerArgLeuLysArgTer (NM_198709.3).
Identifiers: ClinVar variation 1400506 (VCV001400506.6), dbSNP rs2112483439.

ClinVar aggregate classification (germline): Pathogenic (1 of 4 stars; one submission).

Conditions:
Mucopolysaccharidosis type 6 (MPS6). Also called: MPS VI; MPS 6; Maroteaux Lamy syndrome; N-ACETYLGALACTOSAMINE-4-SULFATASE DEFICIENCY; ARSB DEFICIENCY; ARYLSULFATASE B DEFICIENCY. Identifiers: Orphanet 583, MedGen C0026709, MONDO:0009661, OMIM 253200.

Submission:

Labcorp Genetics (formerly Invitae), Labcorp
Classification: Pathogenic for Mucopolysaccharidosis type 6. Last evaluated: 2023-08-09. Review status: criteria provided, single submitter. Criteria: Invitae Variant Classification Sherloc (09022015). Collection method: clinical testing. Allele origin: germline.
Comment: For these reasons, this variant has been classified as Pathogenic. Retrotransposon insertions including LINE1 (L1), Alu, and SVA (SINE-VNTR-Alu) have been reported to be disease-causing through disruption of either a coding region or splice site (PMID: 19763152, 20307669, 22406018) and loss-of-function variants in ARSB are known to be pathogenic (PMID: 17458871, 22133300). Algorithms developed to predict the effect of sequence changes on RNA splicing suggest that this variant may disrupt the consensus splice site. ClinVar contains an entry for this variant (Variation ID: 1400506). This variant has not been reported in the literature in individuals affected with ARSB-related conditions. This variant is not present in population databases (gnomAD no frequency). This sequence change inserts a large fragment of DNA, likely a transposable element, in exon 4 of the ARSB gene (c.866_867ins?), causing a frameshift at codon 289 (p.Leu289fs). The exact size and sequence of the insertion cannot be determined by the current assay. However, the insertion is expected to result in an absent or disrupted protein product.

Literature cited by the submitters: PubMed 19763152; PubMed 20307669; PubMed 22406018; PubMed 17458871; PubMed 22133300.